The following is an entry in ClinVar:

ClinVar aggregate classification (germline): Uncertain significance (1 of 4 stars; one submission).

Submission:

Labcorp Genetics (formerly Invitae), Labcorp
Classification: Uncertain significance. Last evaluated: 2023-09-27. Review status: criteria provided, single submitter. Criteria: Invitae Variant Classification Sherloc (09022015). Collection method: clinical testing. Allele origin: germline.
Comment: This sequence change replaces glutamic acid, which is acidic and polar, with glycine, which is neutral and non-polar, at codon 2 of the NR2E3 protein (p.Glu2Gly). This variant is not present in population databases (gnomAD no frequency). This variant has not been reported in the literature in individuals affected with NR2E3-related conditions. Advanced modeling of protein sequence and biophysical properties (such as structural, functional, and spatial information, amino acid conservation, physicochemical variation, residue mobility, and thermodynamic stability) performed at Invitae indicates that this missense variant is not expected to disrupt NR2E3 protein function. In summary, the available evidence is currently insufficient to determine the role of this variant in disease. Therefore, it has been classified as a Variant of Uncertain Significance.

NM_014249.4(NR2E3):c.5A>G (p.Glu2Gly)

Gene: NR2E3 (nuclear receptor subfamily 2 group E member 3; plus strand). Cytogenetic location: 15q23.
Variant type: single nucleotide variant.
Coding change: c.5A>G on transcript NM_014249.4 (MANE Select); coding-DNA position 5, A replaced by G.
Protein change: p.Glu2Gly; replaces glutamic acid 2 with glycine.
Molecular consequence: missense variant.
Genome position (GRCh38, 1-based): chr15:71,810,748, A>G. VCF-style: chr15-71810748-A-G. GRCh37 (hg19) VCF-style: chr15-72103088-A-G.
Other names: c.5A>G, p.Glu2Gly (NM_016346.4); short protein forms E2G.
Identifiers: ClinVar variation 2995211 (VCV002995211.3), dbSNP rs2543251941, ClinGen allele CA393031334.